The following is an entry in ClinVar:

ClinVar aggregate classification (germline): Uncertain significance (1 of 4 stars; one submission).

Conditions:
Rhabdoid tumor predisposition syndrome 2 (RTPS2). Identifiers: Orphanet 231108, Orphanet 69077, MedGen C2750074, MONDO:0013224, OMIM 613325.

Submission:

Labcorp Genetics (formerly Invitae), Labcorp
Classification: Uncertain significance for Rhabdoid tumor predisposition syndrome 2. Last evaluated: 2024-08-28. Review status: criteria provided, single submitter. Criteria: Invitae Variant Classification Sherloc (09022015). Collection method: clinical testing. Allele origin: germline.
Comment: This sequence change replaces leucine, which is neutral and non-polar, with tryptophan, which is neutral and slightly polar, at codon 396 of the SMARCA4 protein (p.Leu396Trp). This variant is not present in population databases (gnomAD no frequency). This variant has not been reported in the literature in individuals affected with SMARCA4-related conditions. ClinVar contains an entry for this variant (Variation ID: 1476308). Invitae Evidence Modeling of protein sequence and biophysical properties (such as structural, functional, and spatial information, amino acid conservation, physicochemical variation, residue mobility, and thermodynamic stability) indicates that this missense variant is expected to disrupt SMARCA4 protein function with a positive predictive value of 95%. In summary, the available evidence is currently insufficient to determine the role of this variant in disease. Therefore, it has been classified as a Variant of Uncertain Significance.

NM_003072.5(SMARCA4):c.1187T>G (p.Leu396Trp)

Gene: SMARCA4 (SWI/SNF related BAF chromatin remodeling complex subunit ATPase 4; plus strand). Cytogenetic location: 19p13.2.
Variant type: single nucleotide variant.
Coding change: c.1187T>G on transcript NM_003072.5 (MANE Select); coding-DNA position 1187, T replaced by G.
Protein change: p.Leu396Trp; replaces leucine 396 with tryptophan.
Molecular consequence: missense variant. On other transcripts: non-coding transcript variant (1).
Genome position (GRCh38, 1-based): chr19:10,989,385, T>G. VCF-style: chr19-10989385-T-G. GRCh37 (hg19) VCF-style: chr19-11100061-T-G.
Other names: c.1187T>G, p.Leu396Trp (NM_001128844.3, NM_001128845.2, NM_001128846.2 and 5 more transcripts); short protein forms L396W.
Identifiers: ClinVar variation 1476308 (VCV001476308.8), dbSNP rs2145848630, ClinGen allele CA404059615.